The following is an entry in ClinVar:

ClinVar aggregate classification (germline): Uncertain significance (1 of 4 stars; one submission).

gnomAD v4.1: 7 of 1,613,608 alleles (0.00043%); highest among the groups gnomAD compares: Non-Finnish European, 0.00059%; no homozygotes.

Submission:

Labcorp Genetics (formerly Invitae), Labcorp
Classification: Uncertain significance. Last evaluated: 2022-06-04. Review status: criteria provided, single submitter. Criteria: Invitae Variant Classification Sherloc (09022015). Collection method: clinical testing. Allele origin: germline.
Comment: In summary, the available evidence is currently insufficient to determine the role of this variant in disease. Therefore, it has been classified as a Variant of Uncertain Significance. Algorithms developed to predict the effect of missense changes on protein structure and function output the following: SIFT: "Tolerated"; PolyPhen-2: "Benign"; Align-GVGD: "Class C0". The lysine amino acid residue is found in multiple mammalian species, which suggests that this missense change does not adversely affect protein function. This variant has not been reported in the literature in individuals affected with ITGAM-related conditions. This variant is not present in population databases (gnomAD no frequency). This sequence change replaces arginine, which is basic and polar, with lysine, which is basic and polar, at codon 666 of the ITGAM protein (p.Arg666Lys).

NM_000632.4(ITGAM):c.1997G>A (p.Arg666Lys)

Gene: ITGAM (integrin subunit alpha M; plus strand). Cytogenetic location: 16p11.2.
Variant type: single nucleotide variant.
Coding change: c.1997G>A on transcript NM_000632.4 (MANE Select); coding-DNA position 1997, G replaced by A.
Protein change: p.Arg666Lys; replaces arginine 666 with lysine.
Molecular consequence: missense variant.
Genome position (GRCh38, 1-based): chr16:31,321,622, G>A. VCF-style: chr16-31321622-G-A. GRCh37 (hg19) VCF-style: chr16-31332943-G-A.
Other names: c.2000G>A, p.Arg667Lys (NM_001145808.2); short protein forms R666K, R667K.
Identifiers: ClinVar variation 2082217 (VCV002082217.4), dbSNP rs2544489413, ClinGen allele CA395682906.